The following is an entry in ClinVar:

ClinVar aggregate classification (germline): Conflicting classifications of pathogenicity. Review status: criteria provided, conflicting classifications (1 of 4 stars). 3 submissions from 3 submitters: Uncertain significance (1); Likely benign (2). Last evaluated 2025-02-24.

Conditions:
Mowat-Wilson syndrome (MOWS). Also called: Classic Mowat-Wilson Syndrome. Identifiers: Orphanet 2152, MedGen C1856113, MONDO:0009341, OMIM 235730.

Allele frequency attached by ClinVar (database versions not stated): ExAC 0.00001; gnomAD exomes 0.00001.
gnomAD v4.1: 4 of 1,614,190 alleles (0.00025%); highest among the groups gnomAD compares: Admixed American, 0.0033%; no homozygotes.

Submissions (3):

Labcorp Genetics (formerly Invitae), Labcorp
Classification: Uncertain significance for Mowat-Wilson syndrome. Last evaluated: 2025-02-24. Review status: criteria provided, single submitter. Criteria: Invitae Variant Classification Sherloc (09022015). Collection method: clinical testing. Allele origin: germline.
Comment: This sequence change replaces proline, which is neutral and non-polar, with serine, which is neutral and polar, at codon 430 of the ZEB2 protein (p.Pro430Ser). This variant is present in population databases (rs753804606, gnomAD 0.006%). This variant has not been reported in the literature in individuals affected with ZEB2-related conditions. ClinVar contains an entry for this variant (Variation ID: 388030). Invitae Evidence Modeling incorporating data from in vitro experimental studies (internal data) indicates that this missense variant is not expected to disrupt ZEB2 function with a negative predictive value of 95%. In summary, the available evidence is currently insufficient to determine the role of this variant in disease. Therefore, it has been classified as a Variant of Uncertain Significance.

Genome-Nilou Lab
Classification: Likely benign for Mowat-Wilson syndrome. Last evaluated: 2021-11-07. Review status: criteria provided, single submitter. Criteria: ACMG Guidelines, 2015. Collection method: clinical testing. Allele origin: germline. Affected: no.

GeneDx
Classification: Likely benign. Last evaluated: 2016-08-04. Review status: criteria provided, single submitter. Criteria: GeneDx Variant Classification (06012015). Collection method: clinical testing. Allele origin: germline. Affected: yes.
Comment: This variant is considered likely benign or benign based on one or more of the following criteria: it is a conservative change, it occurs at a poorly conserved position in the protein, it is predicted to be benign by multiple in silico algorithms, and/or has population frequency not consistent with disease.

NM_014795.4(ZEB2):c.1288C>T (p.Pro430Ser)

Gene: ZEB2 (zinc finger E-box binding homeobox 2; minus strand). Cytogenetic location: 2q22.3.
Variant type: single nucleotide variant.
Coding change: c.1288C>T on transcript NM_014795.4 (MANE Select); coding-DNA position 1288, C replaced by T.
Protein change: p.Pro430Ser; replaces proline 430 with serine.
Molecular consequence: missense variant.
Genome position (GRCh38, 1-based): chr2:144,399,899, G>A on the plus strand (C>T on the coding strand, the complement: ZEB2 is on the minus strand). VCF-style: chr2-144399899-G-A. GRCh37 (hg19) VCF-style: chr2-145157466-G-A.
Other names: c.1216C>T, p.Pro406Ser (NM_001171653.2); short protein forms P430S, P406S.
Identifiers: ClinVar variation 388030 (VCV000388030.13), dbSNP rs753804606, ClinGen allele CA1898352.